The following is an entry in ClinVar:

NM_000969.5(RPL5):c.742C>T (p.Arg248Ter)

Genes: DIPK1A (divergent protein kinase domain 1A; minus strand), RPL5 (ribosomal protein L5; plus strand). Cytogenetic location: 1p22.1.
Variant type: single nucleotide variant.
Coding change: c.742C>T on transcript NM_000969.5 (MANE Select); coding-DNA position 742, C replaced by T.
Protein change: p.Arg248Ter; replaces arginine 248 with a stop codon.
Molecular consequence: nonsense. On other transcripts: non-coding transcript variant (1), intron variant (1).
Genome position (GRCh38, 1-based): chr1:92,840,587, C>T. VCF-style: chr1-92840587-C-T. GRCh37 (hg19) VCF-style: chr1-93306144-C-T.
Other names: c.474+6596G>A (NM_001252273.2); short protein forms R248*.
Identifiers: ClinVar variation 1758874 (VCV001758874.4), dbSNP rs2524473865, ClinGen allele CA341243570.
Genomic context (GRCh38, chr1:92,840,587, plus strand): 5'-ACTGTTTGCTTTCCTTTGTTTCAGATGGAGGAGATGTATAAGAAAGCTCATGCTGCTATA[C>T]GAGAGAATCCAGTCTATGAAAAGAAGCCCAAGAAAGAAGTTAAAAAGAAGAGGTATGTCG-3'

ClinVar aggregate classification (germline): Pathogenic/Likely pathogenic. Review status: criteria provided, multiple submitters, no conflicts (2 of 4 stars). 2 submissions from 2 submitters: Pathogenic (1); Likely pathogenic (1). Last evaluated 2026-04-28.

Conditions:
Diamond-Blackfan anemia. Also called: Aase syndrome; Blackfan Diamond syndrome; Aregenerative anemia chronic congenital; Red cell aplasia, pure hereditary; Congenital hypoplastic anemia. Identifiers: Orphanet 124, MedGen C1260899, MeSH D029503, MONDO:0015253, HP:0004810.

Submissions (2):

Dasa
Classification: Likely pathogenic. Last evaluated: 2026-04-28. Review status: criteria provided, single submitter. Criteria: DASA Assertion Criteria. Collection method: clinical testing. Allele origin: germline.
Comment: NM_000969.5(RPL5):c.742C>T (p.Arg248*) is a nonsense variant in RPL5 predicted to introduce a premature termination codon and is predicted to result in an absent or altered protein product. Loss of function is an established disease mechanism for RPL5-associated disorders. Also, this variant is absent from population databases. Based on the currently available evidence, this variant is classified as likely pathogenic.

Ambry Genetics
Classification: Pathogenic for Diamond-Blackfan anemia. Last evaluated: 2017-07-01. Review status: criteria provided, single submitter. Criteria: Ambry Variant Classification Scheme 2023. Collection method: clinical testing. Allele origin: germline.
Comment: The p.R248* pathogenic mutation (also known as c.742C>T), located in coding exon 7 of the RPL5 gene, results from a C to T substitution at nucleotide position 742. This changes the amino acid from an arginine to a stop codon within coding exon 7. This alteration is expected to result in loss of function by premature protein truncation or nonsense-mediated mRNA decay. As such, this alteration is interpreted as a disease-causing mutation.